The following is an entry in ClinVar:

NM_001363711.2(DUOX2):c.346G>C (p.Val116Leu)

Gene: DUOX2 (dual oxidase 2; minus strand). Cytogenetic location: 15q21.1.
Variant type: single nucleotide variant.
Coding change: c.346G>C on transcript NM_001363711.2 (MANE Select); coding-DNA position 346, G replaced by C.
Protein change: p.Val116Leu; replaces valine 116 with leucine.
Molecular consequence: missense variant.
Genome position (GRCh38, 1-based): chr15:45,111,935, C>G on the plus strand (G>C on the coding strand, the complement: DUOX2 is on the minus strand). VCF-style: chr15-45111935-C-G. GRCh37 (hg19) VCF-style: chr15-45404133-C-G.
Other names: c.346G>C, p.Val116Leu (NM_014080.5); short protein forms V116L.
Identifiers: ClinVar variation 1470662 (VCV001470662.4), dbSNP rs781680371, ClinGen allele CA7538982.

ClinVar aggregate classification (germline): Uncertain significance. Review status: criteria provided, multiple submitters, no conflicts (2 of 4 stars). 2 submissions from 2 submitters: Uncertain significance (2). Last evaluated 2021-10-23.

Allele frequency attached by ClinVar (database versions not stated): gnomAD 0.00001; gnomAD exomes 0.00003; ExAC 0.00004.

Submissions (2):

Labcorp Genetics (formerly Invitae), Labcorp
Classification: Uncertain significance. Last evaluated: 2021-10-23. Review status: criteria provided, single submitter. Criteria: Invitae Variant Classification Sherloc (09022015). Collection method: clinical testing. Allele origin: germline.
Comment: This sequence change replaces valine with leucine at codon 116 of the DUOX2 protein (p.Val116Leu). The valine residue is weakly conserved and there is a small physicochemical difference between valine and leucine. This variant is present in population databases (rs781680371, ExAC 0.02%). This variant has not been reported in the literature in individuals affected with DUOX2-related conditions. Advanced modeling of protein sequence and biophysical properties (such as structural, functional, and spatial information, amino acid conservation, physicochemical variation, residue mobility, and thermodynamic stability) performed at Invitae indicates that this missense variant is not expected to disrupt DUOX2 protein function. In summary, the available evidence is currently insufficient to determine the role of this variant in disease. Therefore, it has been classified as a Variant of Uncertain Significance.

Breakthrough Genomics
Classification: Uncertain significance. Review status: criteria provided, single submitter. Criteria: ACMG Guidelines, 2015. Collection method: not provided. Allele origin: germline. Inheritance: Autosomal recessive inheritance. Affected: yes.